The following is an entry in ClinVar:

ClinVar aggregate classification (germline): Uncertain significance (1 of 4 stars; one submission).

Conditions:
Pyruvate dehydrogenase E1-alpha deficiency (PDHAD). Also called: Ataxia, intermittent, with pyruvate dehydrogenase, or decarboxylase, deficiency; ATAXIA, INTERMITTENT, WITH PYRUVATE DEHYDROGENASE DEFICIENCY; ATAXIA WITH LACTIC ACIDOSIS I; ATAXIA, INTERMITTENT, WITH ABNORMAL PYRUVATE METABOLISM. Identifiers: Orphanet 79243, MedGen C1839413, MONDO:0010717, OMIM 312170.

Submission:

Labcorp Genetics (formerly Invitae), Labcorp
Classification: Uncertain significance for Pyruvate dehydrogenase E1-alpha deficiency. Last evaluated: 2026-01-17. Review status: criteria provided, single submitter. Criteria: Invitae Variant Classification Sherloc (09022015). Collection method: clinical testing. Allele origin: germline.
Comment: This sequence change replaces lysine, which is basic and polar, with arginine, which is basic and polar, at codon 385 of the PDHA1 protein (p.Lys385Arg). This variant is present in population databases (no rsID available, gnomAD 0.004%), including at least one homozygous and/or hemizygous individual. This variant has not been reported in the literature in individuals affected with PDHA1-related conditions. Invitae Evidence Modeling of protein sequence and biophysical properties (such as structural, functional, and spatial information, amino acid conservation, physicochemical variation, residue mobility, and thermodynamic stability) has been performed for this missense variant. However, the output from this modeling did not meet the statistical confidence thresholds required to predict the impact of this variant on PDHA1 protein function. Experimental studies have shown that this missense change affects PDHA1 function (PMID: 37479690). Algorithms developed to predict the effect of sequence changes on RNA splicing suggest that this variant may create or strengthen a splice site. In summary, the available evidence is currently insufficient to determine the role of this variant in disease. Therefore, it has been classified as a Variant of Uncertain Significance.

Literature cited by the submitters: PubMed 37479690.

NM_000284.4(PDHA1):c.1154A>G (p.Lys385Arg)

Gene: PDHA1 (pyruvate dehydrogenase E1 subunit alpha 1; plus strand). Cytogenetic location: Xp22.12.
Variant type: single nucleotide variant.
Coding change: c.1154A>G on transcript NM_000284.4 (MANE Select); coding-DNA position 1154, A replaced by G.
Protein change: p.Lys385Arg; replaces lysine 385 with arginine.
Molecular consequence: missense variant.
Genome position (GRCh38, 1-based): chrX:19,359,634, A>G. VCF-style: chrX-19359634-A-G. GRCh37 (hg19) VCF-style: chrX-19377752-A-G.
Other names: c.1268A>G, p.Lys423Arg (NM_001173454.2); c.1175A>G, p.Lys392Arg (NM_001173455.2); c.1061A>G, p.Lys354Arg (NM_001173456.2); short protein forms K392R, K385R, K423R, K354R.
Identifiers: ClinVar variation 4711302 (VCV004711302.1).
Genomic context (GRCh38, chrX:19,359,634, plus strand): 5'-GCTACCACATCTACTCCAGCGACCCACCTTTTGAAGTTCGTGGTGCCAATCAGTGGATCA[A>G]GTTTAAGTCAGTCAGTTAAGGGGAGGAGAAGGAGAGGTTATACCTTCAGGGGGCTACCAG-3'
Protein context (NP_000275.1, residues 375-390): FEVRGANQWI[Lys385Arg]FKSVS